The following is an entry in ClinVar:

NM_144997.7(FLCN):c.997T>C (p.Ser333Pro)

Gene: FLCN (folliculin; minus strand). Cytogenetic location: 17p11.2.
Variant type: single nucleotide variant.
Coding change: c.997T>C on transcript NM_144997.7 (MANE Select); coding-DNA position 997, T replaced by C.
Protein change: p.Ser333Pro; replaces serine 333 with proline.
Molecular consequence: missense variant.
Genome position (GRCh38, 1-based): chr17:17,219,084, A>G on the plus strand (T>C on the coding strand, the complement: FLCN is on the minus strand). VCF-style: chr17-17219084-A-G. GRCh37 (hg19) VCF-style: chr17-17122398-A-G.
Other names: c.997T>C (NM_144997.5); c.1051T>C, p.Ser351Pro (NM_001353229.2); c.997T>C, p.Ser333Pro (NM_001353230.2, NM_001353231.2); short protein forms S333P, S351P.
Identifiers: ClinVar variation 1358654 (VCV001358654.8), dbSNP rs1470514558, ClinGen allele CA398532836.

ClinVar aggregate classification (germline): Conflicting classifications of pathogenicity. Review status: criteria provided, conflicting classifications (1 of 4 stars). 3 submissions from 3 submitters: Uncertain significance (1); Likely benign (2). Last evaluated 2025-08-24.

Conditions:
Hereditary cancer-predisposing syndrome. Also called: Hereditary Cancer Syndrome; Hereditary neoplastic syndrome; Tumor predisposition; Neoplastic Syndromes, Hereditary. Identifiers: Orphanet 140162, MedGen C0027672, MeSH D009386, MONDO:0015356.
Birt-Hogg-Dube syndrome. Also called: Birt Hogg Dubé syndrome. Identifiers: Orphanet 122, MedGen C0346010, MONDO:0800444.
Birt-Hogg-Dube syndrome 1 (BHD1). Also called: FIBROFOLLICULOMAS WITH TRICHODISCOMAS AND ACROCHORDONS. Identifiers: Orphanet 122, MedGen CN375946, MONDO:0800445, OMIM 135150.

Allele frequency attached by ClinVar (database versions not stated): TOPMed below 0.00001; gnomAD 0.00001; gnomAD exomes 0.00001.
gnomAD v4.1: 18 of 1,614,020 alleles (0.0011%); highest among the groups gnomAD compares: South Asian, 0.02%; no homozygotes.

Submissions (3):

Labcorp Genetics (formerly Invitae), Labcorp
Classification: Uncertain significance for Birt-Hogg-Dube syndrome. Last evaluated: 2025-08-24. Review status: criteria provided, single submitter. Criteria: Invitae Variant Classification Sherloc (09022015). Collection method: clinical testing. Allele origin: germline.
Comment: This sequence change replaces serine, which is neutral and polar, with proline, which is neutral and non-polar, at codon 333 of the FLCN protein (p.Ser333Pro). This variant is present in population databases (no rsID available, gnomAD 0.006%). This variant has not been reported in the literature in individuals affected with FLCN-related conditions. ClinVar contains an entry for this variant (Variation ID: 1358654). Invitae Evidence Modeling of protein sequence and biophysical properties (such as structural, functional, and spatial information, amino acid conservation, physicochemical variation, residue mobility, and thermodynamic stability) indicates that this missense variant is not expected to disrupt FLCN protein function with a negative predictive value of 80%. In summary, the available evidence is currently insufficient to determine the role of this variant in disease. Therefore, it has been classified as a Variant of Uncertain Significance.

Myriad Genetics, Inc.
Classification: Likely benign for Birt-Hogg-Dube syndrome 1. Last evaluated: 2024-08-29. Review status: criteria provided, single submitter. Criteria: Myriad Autosomal Dominant, Autosomal Recessive and X-Linked Classification Criteria (2023). Collection method: clinical testing. Allele origin: unknown.
Comment: This variant is considered likely benign. This variant has been observed at a population frequency that is significantly greater than expected given the associated disease prevalence and penetrance.

Ambry Genetics
Classification: Likely benign for Hereditary cancer-predisposing syndrome. Last evaluated: 2023-03-30. Review status: criteria provided, single submitter. Criteria: Ambry Variant Classification Scheme 2023. Collection method: clinical testing. Allele origin: germline.